The following is an entry in ClinVar:

NM_005002.5(NDUFA9):c.552+234G>A

Gene: NDUFA9 (NADH:ubiquinone oxidoreductase subunit A9; plus strand). Cytogenetic location: 12p13.32.
Variant type: single nucleotide variant.
Coding change: c.552+234G>A on transcript NM_005002.5 (MANE Select); 234 bases into the intron after coding-DNA position 552, G replaced by A.
Molecular consequence: intron variant.
Genome position (GRCh38, 1-based): chr12:4,659,411, G>A. VCF-style: chr12-4659411-G-A. GRCh37 (hg19) VCF-style: chr12-4768577-G-A.
Identifiers: ClinVar variation 682711 (VCV000682711.1), dbSNP rs7957498, ClinGen allele CA231821738.

ClinVar aggregate classification (germline): Benign (1 of 4 stars; one submission).

Allele frequency attached by ClinVar (database versions not stated): TOPMed 0.97652; 1000 Genomes Project 30x 0.97689; gnomAD 0.97737 and 0.97905; 1000 Genomes Project 0.98023.
gnomAD v4.1: 149,162 of 152,322 alleles (98%); highest among the groups gnomAD compares: Middle Eastern, 100%; 73,118 homozygotes.

Submission:

GeneDx
Classification: Benign. Last evaluated: 2018-06-14. Review status: criteria provided, single submitter. Criteria: GeneDx Variant Classification (06012015). Collection method: clinical testing. Allele origin: germline. Affected: yes.
Comment: This variant is considered likely benign or benign based on one or more of the following criteria: it is a conservative change, it occurs at a poorly conserved position in the protein, it is predicted to be benign by multiple in silico algorithms, and/or has population frequency not consistent with disease.